The following is an entry in ClinVar:

ClinVar aggregate classification (germline): Likely benign. Review status: criteria provided, multiple submitters, no conflicts (2 of 4 stars). 4 submissions from 4 submitters: Likely benign (4). Last evaluated 2025-08-14.

Conditions:
Cardiovascular phenotype. Identifiers: MedGen CN230736.
Dilated cardiomyopathy 1DD (CMD1DD). Identifiers: Orphanet 154, MedGen C2750995, MONDO:0013168, OMIM 613172.

Allele frequency attached by ClinVar (database versions not stated): gnomAD 0.00001 and 0.00003; gnomAD exomes 0.00001; TOPMed 0.00002; ExAC 0.00006; 1000 Genomes Project 0.00020; 1000 Genomes Project 30x 0.00047.
gnomAD v4.1: 21 of 1,551,410 alleles (0.0014%); highest among the groups gnomAD compares: Admixed American, 0.0078%; no homozygotes.

Submissions (4):

Mayo Clinic Laboratories, Mayo Clinic
Classification: Likely benign. Last evaluated: 2025-08-14. Review status: criteria provided, single submitter. Criteria: ACMG Guidelines, 2015. Collection method: clinical testing. Allele origin: germline. Observed: 1 variant allele.
Comment: BP4, BP7

Labcorp Genetics (formerly Invitae), Labcorp
Classification: Likely benign for Dilated cardiomyopathy 1DD. Last evaluated: 2025-03-26. Review status: criteria provided, single submitter. Criteria: Invitae Variant Classification Sherloc (09022015). Collection method: clinical testing. Allele origin: germline.

Ambry Genetics
Classification: Likely benign for Cardiovascular phenotype. Last evaluated: 2022-05-06. Review status: criteria provided, single submitter. Criteria: Ambry Variant Classification Scheme 2023. Collection method: clinical testing. Allele origin: germline.

Women's Health and Genetics/Laboratory Corporation of America, LabCorp
Classification: Likely benign. Last evaluated: 2022-04-24. Review status: criteria provided, single submitter. Criteria: LabCorp Variant Classification Summary - May 2015. Collection method: clinical testing. Allele origin: germline.

NM_001134363.3(RBM20):c.1935G>A (p.Pro645=)

Gene: RBM20 (RNA binding motif protein 20; plus strand). Cytogenetic location: 10q25.2.
Variant type: single nucleotide variant.
Coding change: c.1935G>A on transcript NM_001134363.3 (MANE Select); coding-DNA position 1935, G replaced by A.
Protein change: p.Pro645=; no amino-acid change (proline 645 retained).
Molecular consequence: synonymous variant.
Genome position (GRCh38, 1-based): chr10:110,812,332, G>A. VCF-style: chr10-110812332-G-A. GRCh37 (hg19) VCF-style: chr10-112572090-G-A.
Other names: p.Pro645=.
Identifiers: ClinVar variation 538044 (VCV000538044.14), dbSNP rs184428735, ClinGen allele CA5688653.
Genomic context (GRCh38, chr10:110,812,332, plus strand): 5'-TCACAGATATGGCCCAGAAAGGCCGCGGTCTCGTAGTCCGGTGAGCCGGTCACTCTCCCC[G>A]AGGTCCCACACTCCCAGCTTCACCTCCTGCAGCTCTTCCCACAGCCCTCCGGGCCCCTCC-3'
Protein context (NP_001127835.2, residues 635-655): SRSPVSRSLS[Pro645=]RSHTPSFTSC